The following is an entry in ClinVar:

ClinVar aggregate classification (germline): Uncertain significance (1 of 4 stars; one submission).

Submission:

Labcorp Genetics (formerly Invitae), Labcorp
Classification: Uncertain significance. Last evaluated: 2025-04-17. Review status: criteria provided, single submitter. Criteria: Invitae Variant Classification Sherloc (09022015). Collection method: clinical testing. Allele origin: germline.
Comment: This sequence change replaces alanine, which is neutral and non-polar, with glycine, which is neutral and non-polar, at codon 166 of the RIN2 protein (p.Ala166Gly). This variant is not present in population databases (gnomAD no frequency). This variant has not been reported in the literature in individuals affected with RIN2-related conditions. Experimental studies and prediction algorithms are not available or were not evaluated, and the functional significance of this variant is currently unknown. In summary, the available evidence is currently insufficient to determine the role of this variant in disease. Therefore, it has been classified as a Variant of Uncertain Significance.

NM_018993.4(RIN2):c.497C>G (p.Ala166Gly)

Gene: RIN2 (Ras and Rab interactor 2; plus strand). Cytogenetic location: 20p11.23.
Variant type: single nucleotide variant.
Coding change: c.497C>G on transcript NM_018993.4 (MANE Select); coding-DNA position 497, C replaced by G.
Protein change: p.Ala166Gly; replaces alanine 166 with glycine.
Molecular consequence: missense variant. On other transcripts: intron variant (1).
Genome position (GRCh38, 1-based): chr20:19,964,985, C>G. VCF-style: chr20-19964985-C-G. GRCh37 (hg19) VCF-style: chr20-19945629-C-G.
Other names: c.644C>G, p.Ala215Gly (NM_001242581.2); c.-83+4174C>G (NM_001378238.1); short protein forms A166G, A215G.
Identifiers: ClinVar variation 4710564 (VCV004710564.1).
Genomic context (GRCh38, chr20:19,964,985, plus strand): 5'-AGCTGGTTTCTGAAATCTCTTTTCCAGCCTTTTCCCTGGAAGGCTCAGGAATCAGTTTCG[C>G]AGATTTATTCCGGCTCATTGCTTTCTACTGCATCAGCAGGTAAGGCCTCTTCCTCTCATA-3'
Protein context (NP_061866.1, residues 156-176): FSLEGSGISF[Ala166Gly]DLFRLIAFYC